The following is an entry in ClinVar:

NM_000256.3(MYBPC3):c.3434T>C (p.Val1145Ala)

Gene: MYBPC3 (myosin binding protein C3; minus strand). Cytogenetic location: 11p11.2.
Variant type: single nucleotide variant.
Coding change: c.3434T>C on transcript NM_000256.3 (MANE Select); coding-DNA position 3434, T replaced by C.
Protein change: p.Val1145Ala; replaces valine 1145 with alanine.
Molecular consequence: missense variant.
Genome position (GRCh38, 1-based): chr11:47,332,870, A>G on the plus strand (T>C on the coding strand, the complement: MYBPC3 is on the minus strand). VCF-style: chr11-47332870-A-G. GRCh37 (hg19) VCF-style: chr11-47354421-A-G.
Other names: short protein forms V1145A.
Identifiers: ClinVar variation 4757355 (VCV004757355.1).
Genomic context (GRCh38, chr11:47,332,870, plus strand): 5'-GCACCTGGTCTGGGGATAAAGACGGGCTCCTTGGTGGTGGCCGCTCTGTCACTAAAGCCA[A>G]CCATATTCTGGCTGAAGACGCGGAAGTAGTAGCCATTGCCAATGATGAGCTCTGGCACCA-3'
Protein context (NP_000247.2, residues 1135-1155): YYFRVFSQNM[Val1145Ala]GFSDRAATTK

ClinVar aggregate classification (germline): Uncertain significance (1 of 4 stars; one submission).

Conditions:
Cardiomyopathy (CMYO). Also called: Cardiomyopathies. Identifiers: Orphanet 167848, MedGen C0878544, MONDO:0004994, HP:0001638. Inheritance: Various modes of inheritance.

Submission:

Color Diagnostics, LLC DBA Color Health
Classification: Uncertain significance for Cardiomyopathy. Last evaluated: 2025-06-30. Review status: criteria provided, single submitter. Criteria: ACMG Guidelines, 2015. Collection method: clinical testing. Allele origin: germline.
Comment: This missense variant replaces valine with alanine at codon 1145 of the MYBPC3 protein. Computational prediction suggests that this variant may not impact protein structure and function. To our knowledge, functional studies have not been reported for this variant. This variant has not been reported in individuals affected with MYBPC3-related disorders in the literature. This variant has not been identified in the general population by the Genome Aggregation Database (gnomAD). The available evidence is insufficient to determine the role of this variant in disease conclusively. Therefore, this variant is classified as a Variant of Uncertain Significance.